The following is an entry in ClinVar:

NM_000482.4(APOA4):c.1134_1145dup (p.376QQEQ[4])

Gene: APOA4 (apolipoprotein A4; minus strand). Cytogenetic location: 11q23.3.
Variant type: Duplication.
Coding change: c.1134_1145dup on transcript NM_000482.4 (MANE Select); coding-DNA positions 1134 to 1145, 12 bases duplicated (ACAGCAGCAGGA).
Protein change: p.376QQEQ[4].
Molecular consequence: inframe insertion.
Genome position (GRCh38, 1-based): chr11:116,820,913-116,820,924, TCCTGCTGCTGT duplicated on the plus strand (ACAGCAGCAGGA on the coding strand, the reverse complement: APOA4 is on the minus strand); duplicating any 12 consecutive bases within chr11:116,820,913-116,820,932 gives the same sequence; the c. name uses the placement nearest the transcript's 3' end. VCF-style (leftmost placement, unchanged base first): chr11-116820912-C-CTCCTGCTGCTGT. GRCh37 (hg19) VCF-style: chr11-116691628-C-CTCCTGCTGCTGT.
Other names: APOLIPOPROTEIN A-IV RARE VARIANT, APOA4*0; 12-BP INS, GLU-GLN-GLN-GLN INS, CODONS 361-362.
Identifiers: ClinVar variation 1578213 (VCV001578213.12), dbSNP rs539176882, ClinGen allele CA6289228.

ClinVar aggregate classification (germline): Benign/Likely benign. Review status: criteria provided, multiple submitters, no conflicts (2 of 4 stars). 3 submissions from 3 submitters: Benign (1); Likely benign (1). 1 of the submissions does not count toward it. Last evaluated 2026-05-01.

Conditions:
APOLIPOPROTEIN A-IV RARE VARIANT, APOA4*0.

Submissions (3):

CeGaT Center for Human Genetics Tuebingen
Classification: Likely benign. Last evaluated: 2026-05-01. Review status: criteria provided, single submitter. Criteria: CeGaT Center For Human Genetics Tuebingen Variant Classification Criteria Version 2. Collection method: clinical testing. Allele origin: germline. Affected: yes. Observed: 1 variant allele.
Comment: APOA4: BS1

Labcorp Genetics (formerly Invitae), Labcorp
Classification: Benign. Last evaluated: 2026-01-13. Review status: criteria provided, single submitter. Criteria: Invitae Variant Classification Sherloc (09022015). Collection method: clinical testing. Allele origin: germline.

OMIM
Classification: other for APOLIPOPROTEIN A-IV RARE VARIANT, APOA4*0. Last evaluated: 2022-12-22. Review status: no assertion criteria provided. Collection method: literature only. Allele origin: germline. Not counted in ClinVar's aggregate classification.

Literature cited by the submitters: PubMed 1973689 (cited by OMIM).